The following is an entry in ClinVar:

ClinVar aggregate classification (germline): Likely benign. Review status: criteria provided, multiple submitters, no conflicts (2 of 4 stars). 4 submissions from 4 submitters: Likely benign (4). Last evaluated 2025-11-03.

Conditions:
Cardiovascular phenotype. Identifiers: MedGen CN230736.
Dilated cardiomyopathy 1G (CMD1G). Identifiers: Orphanet 154, MedGen C1858763, MONDO:0011400, OMIM 604145.
Autosomal recessive limb-girdle muscular dystrophy type 2J (LGMDR10). Also called: Limb-girdle muscular dystrophy, type 2J; MUSCULAR DYSTROPHY, LIMB-GIRDLE, AUTOSOMAL RECESSIVE 10. Identifiers: Orphanet 140922, MedGen C1837342, MONDO:0012127, OMIM 608807.

Allele frequency attached by ClinVar (database versions not stated): gnomAD 0.00001 and 0.00002; ExAC 0.00003; TOPMed 0.00004.
gnomAD v4.1: 55 of 1,612,868 alleles (0.0034%); highest among the groups gnomAD compares: East Asian, 0.04%; no homozygotes.

Submissions (4):

Labcorp Genetics (formerly Invitae), Labcorp
Classification: Likely benign for Dilated cardiomyopathy 1G; Autosomal recessive limb-girdle muscular dystrophy type 2J. Last evaluated: 2025-11-03. Review status: criteria provided, single submitter. Criteria: Invitae Variant Classification Sherloc (09022015). Collection method: clinical testing. Allele origin: germline.

Blueprint Genetics
Classification: Likely benign. Last evaluated: 2024-08-16. Review status: criteria provided, single submitter. Criteria: ACMG Guidelines, 2015. Collection method: clinical testing. Allele origin: germline.

CeGaT Center for Human Genetics Tuebingen
Classification: Likely benign. Last evaluated: 2022-06-01. Review status: criteria provided, single submitter. Criteria: CeGaT Center For Human Genetics Tuebingen Variant Classification Criteria Version 2. Collection method: clinical testing. Allele origin: germline. Affected: yes. Observed: 1 variant allele.
Comment: TTN: BP4, BP7

Ambry Genetics
Classification: Likely benign for Cardiovascular phenotype. Last evaluated: 2019-11-05. Review status: criteria provided, single submitter. Criteria: Ambry Variant Classification Scheme 2023. Collection method: clinical testing. Allele origin: germline.

NM_001267550.2(TTN):c.52947C>T (p.Ala17649=)

Genes: TTN (titin; minus strand), TTN-AS1 (TTN antisense RNA 1; plus strand), LOC126806425 (BRD4-independent group 4 enhancer GRCh37_chr2:179471933-179473132; plus strand). Cytogenetic location: 2q31.2.
Variant type: single nucleotide variant.
Coding change: c.52947C>T on transcript NM_001267550.2 (MANE Select); coding-DNA position 52947, C replaced by T.
Protein change: p.Ala17649=; no amino-acid change (alanine 17649 retained).
Molecular consequence: synonymous variant.
Genome position (GRCh38, 1-based): chr2:178,607,840, G>A on the plus strand (C>T on the coding strand, the complement: TTN is on the minus strand). VCF-style: chr2-178607840-G-A. GRCh37 (hg19) VCF-style: chr2-179472567-G-A.
Other names: c.48024C>T, p.Ala16008= (NM_001256850.1); c.25752C>T, p.Ala8584= (NM_003319.4); c.45243C>T, p.Ala15081= (NM_133378.4); c.26127C>T, p.Ala8709= (NM_133432.3); c.26328C>T, p.Ala8776= (NM_133437.4).
Identifiers: ClinVar variation 467251 (VCV000467251.34), dbSNP rs766991039, ClinGen allele CA1993896.